The following is an entry in ClinVar:

NM_001080467.3(MYO5B):c.4211A>G (p.Asn1404Ser)

Gene: MYO5B (myosin VB; minus strand). Cytogenetic location: 18q21.1.
Variant type: single nucleotide variant.
Coding change: c.4211A>G on transcript NM_001080467.3 (MANE Select); coding-DNA position 4211, A replaced by G.
Protein change: p.Asn1404Ser; replaces asparagine 1404 with serine.
Molecular consequence: missense variant.
Genome position (GRCh38, 1-based): chr18:49,853,459, T>C on the plus strand (A>G on the coding strand, the complement: MYO5B is on the minus strand). VCF-style: chr18-49853459-T-C. GRCh37 (hg19) VCF-style: chr18-47379829-T-C.
Other names: short protein forms N1404S.
Identifiers: ClinVar variation 1913306 (VCV001913306.2), dbSNP rs759585385, ClinGen allele CA8960441.

ClinVar aggregate classification (germline): Uncertain significance (1 of 4 stars; one submission).

Allele frequency attached by ClinVar (database versions not stated): TOPMed below 0.00001; gnomAD 0.00001; gnomAD exomes 0.00001.
gnomAD v4.1: 17 of 1,612,596 alleles (0.0011%); highest among the groups gnomAD compares: Middle Eastern, 0.016%; no homozygotes.

Submission:

Labcorp Genetics (formerly Invitae), Labcorp
Classification: Uncertain significance. Last evaluated: 2021-12-27. Review status: criteria provided, single submitter. Criteria: Invitae Variant Classification Sherloc (09022015). Collection method: clinical testing. Allele origin: germline.
Comment: This sequence change replaces asparagine, which is neutral and polar, with serine, which is neutral and polar, at codon 1404 of the MYO5B protein (p.Asn1404Ser). This variant is present in population databases (rs759585385, gnomAD 0.003%). This variant has not been reported in the literature in individuals affected with MYO5B-related conditions. Algorithms developed to predict the effect of missense changes on protein structure and function output the following: SIFT: "Deleterious"; PolyPhen-2: "Benign"; Align-GVGD: "Class C0". The serine amino acid residue is found in multiple mammalian species, which suggests that this missense change does not adversely affect protein function. Algorithms developed to predict the effect of sequence changes on RNA splicing suggest that this variant may create or strengthen a splice site. In summary, the available evidence is currently insufficient to determine the role of this variant in disease. Therefore, it has been classified as a Variant of Uncertain Significance.